The following is an entry in ClinVar:

NM_006231.4(POLE):c.50G>C (p.Gly17Ala)

Genes: POLE (DNA polymerase epsilon, catalytic subunit; minus strand), LOC130009266 (ATAC-STARR-seq lymphoblastoid silent region 5123; plus strand). Cytogenetic location: 12q24.33.
Variant type: single nucleotide variant.
Coding change: c.50G>C on transcript NM_006231.4 (MANE Select); coding-DNA position 50, G replaced by C.
Protein change: p.Gly17Ala; replaces glycine 17 with alanine.
Molecular consequence: missense variant.
Genome position (GRCh38, 1-based): chr12:132,687,266, C>G on the plus strand (G>C on the coding strand, the complement: POLE is on the minus strand). VCF-style: chr12-132687266-C-G. GRCh37 (hg19) VCF-style: chr12-133263852-C-G.
Other names: short protein forms G17A.
Identifiers: ClinVar variation 1023111 (VCV001023111.10), dbSNP rs2043297640, ClinGen allele CA387373338.

ClinVar aggregate classification (germline): Uncertain significance (1 of 4 stars; one submission).

Submission:

Labcorp Genetics (formerly Invitae), Labcorp
Classification: Uncertain significance. Last evaluated: 2020-02-28. Review status: criteria provided, single submitter. Criteria: Invitae Variant Classification Sherloc (09022015). Collection method: clinical testing. Allele origin: germline.
Comment: This sequence change replaces glycine with alanine at codon 17 of the POLE protein (p.Gly17Ala). The glycine residue is weakly conserved and there is a small physicochemical difference between glycine and alanine. The frequency data for this variant in the population databases is considered unreliable, as metrics indicate insufficient coverage at this position in the ExAC database. This variant has not been reported in the literature in individuals with POLE-related conditions. Algorithms developed to predict the effect of missense changes on protein structure and function (SIFT, PolyPhen-2, Align-GVGD) all suggest that this variant is likely to be tolerated, but these predictions have not been confirmed by published functional studies and their clinical significance is uncertain. In summary, the available evidence is currently insufficient to determine the role of this variant in disease. Therefore, it has been classified as a Variant of Uncertain Significance.